The following is an entry in ClinVar:

NM_000321.3(RB1):c.798A>C (p.Gln266His)

Gene: RB1 (RB transcriptional corepressor 1; plus strand). Cytogenetic location: 13q14.2.
Variant type: single nucleotide variant.
Coding change: c.798A>C on transcript NM_000321.3 (MANE Select); coding-DNA position 798, A replaced by C.
Protein change: p.Gln266His; replaces glutamine 266 with histidine.
Molecular consequence: missense variant.
Genome position (GRCh38, 1-based): chr13:48,362,894, A>C. VCF-style: chr13-48362894-A-C. GRCh37 (hg19) VCF-style: chr13-48937030-A-C.
Other names: c.798A>C, p.Gln266His (NM_001407165.1, NM_001407166.1); short protein forms Q266H.
Identifiers: ClinVar variation 3662219 (VCV003662219.2).

ClinVar aggregate classification (germline): Uncertain significance (1 of 4 stars; one submission).

Conditions:
Retinoblastoma (RB1). Also called: RETINOBLASTOMA, SOMATIC. Identifiers: Orphanet 790, MedGen C0035335, MeSH D012175, MONDO:0008380, OMIM 180200, HP:0009919. Disease mechanism: loss of function. Inheritance: Both sporadic and heritable forms are tested..

Submission:

Labcorp Genetics (formerly Invitae), Labcorp
Classification: Uncertain significance for Retinoblastoma. Last evaluated: 2025-10-18. Review status: criteria provided, single submitter. Criteria: Invitae Variant Classification Sherloc (09022015). Collection method: clinical testing. Allele origin: germline.
Comment: This sequence change replaces glutamine, which is neutral and polar, with histidine, which is basic and polar, at codon 266 of the RB1 protein (p.Gln266His). This variant is not present in population databases (gnomAD no frequency). This variant has not been reported in the literature in individuals affected with RB1-related conditions. ClinVar contains an entry for this variant (Variation ID: 3662219). Invitae Evidence Modeling of protein sequence and biophysical properties (such as structural, functional, and spatial information, amino acid conservation, physicochemical variation, residue mobility, and thermodynamic stability) indicates that this missense variant is not expected to disrupt RB1 protein function with a negative predictive value of 80%. In summary, the available evidence is currently insufficient to determine the role of this variant in disease. Therefore, it has been classified as a Variant of Uncertain Significance.